The following is an entry in ClinVar:

NM_002473.6(MYH9):c.5202G>T (p.Leu1734=)

Gene: MYH9 (myosin heavy chain 9; minus strand). Cytogenetic location: 22q12.3.
Variant type: single nucleotide variant.
Coding change: c.5202G>T on transcript NM_002473.6 (MANE Select); coding-DNA position 5202, G replaced by T.
Protein change: p.Leu1734=; no amino-acid change (leucine 1734 retained).
Molecular consequence: synonymous variant.
Genome position (GRCh38, 1-based): chr22:36,285,730, C>A on the plus strand (G>T on the coding strand, the complement: MYH9 is on the minus strand). VCF-style: chr22-36285730-C-A. GRCh37 (hg19) VCF-style: chr22-36681776-C-A.
Identifiers: ClinVar variation 723571 (VCV000723571.5), dbSNP rs750808339, ClinGen allele CA10209121.
Genomic context (GRCh38, chr22:36,285,730, plus strand): 5'-CTTCTTCAGCCGGTCGTTGATCAGCTCCGTGTTGCCCTGCTCCTCCTCCAGCTCCTCCTC[C>A]AGCTGGGCGATGCGGGCCTCCAGACGCCGCTTCTCCTCTAACGCCAGGGCTCTGCGGGGT-3'
Protein context (NP_002464.1, residues 1724-1744): KRRLEARIAQ[Leu1734=]EEELEEEQGN

ClinVar aggregate classification (germline): Likely benign. Review status: criteria provided, multiple submitters, no conflicts (2 of 4 stars). 2 submissions from 2 submitters: Likely benign (2). Last evaluated 2026-06-18.

Conditions:
MYH9-related disorder. Identifiers: MedGen C1854520.

Allele frequency attached by ClinVar (database versions not stated): gnomAD exomes 0.00002; ExAC 0.00003; TOPMed 0.00003; gnomAD 0.00005.
gnomAD v4.1: 59 of 1,612,982 alleles (0.0037%); highest among the groups gnomAD compares: Non-Finnish European, 0.0048%; no homozygotes.

Submissions (2):

PreventionGenetics, part of Exact Sciences
Classification: Likely benign for MYH9-related condition. Last evaluated: 2026-06-18. Review status: criteria provided, single submitter. Criteria: ACMG Guidelines, 2015. Collection method: clinical testing. Allele origin: germline.
Comment: This variant is classified as likely benign based on ACMG/AMP sequence variant interpretation guidelines (Richards et al. 2015 PMID: 25741868, with internal and published modifications).

Labcorp Genetics (formerly Invitae), Labcorp
Classification: Likely benign. Last evaluated: 2025-08-18. Review status: criteria provided, single submitter. Criteria: Invitae Variant Classification Sherloc (09022015). Collection method: clinical testing. Allele origin: germline.